The following is an entry in ClinVar:

NM_004370.6(COL12A1):c.2038C>G (p.Pro680Ala)

Gene: COL12A1 (collagen type XII alpha 1 chain; minus strand). Cytogenetic location: 6q13.
Variant type: single nucleotide variant.
Coding change: c.2038C>G on transcript NM_004370.6 (MANE Select); coding-DNA position 2038, C replaced by G.
Protein change: p.Pro680Ala; replaces proline 680 with alanine.
Molecular consequence: missense variant. On other transcripts: intron variant (1).
Genome position (GRCh38, 1-based): chr6:75,181,065, G>C on the plus strand (C>G on the coding strand, the complement: COL12A1 is on the minus strand). VCF-style: chr6-75181065-G-C. GRCh37 (hg19) VCF-style: chr6-75890781-G-C.
Other names: c.73+21655C>G (NM_080645.3); short protein forms P680A.
Identifiers: ClinVar variation 581001 (VCV000581001.12), dbSNP rs1562290248, ClinGen allele CA364766878.

ClinVar aggregate classification (germline): Uncertain significance. Review status: criteria provided, multiple submitters, no conflicts (2 of 4 stars). 3 submissions from 3 submitters: Uncertain significance (3). Last evaluated 2025-11-28.

Conditions:
Ullrich congenital muscular dystrophy 2 (UCMD2). Identifiers: Orphanet 75840, MedGen C4225314, MONDO:0014654, OMIM 616470.
Bethlem myopathy 2 (BTHLM2). Identifiers: Orphanet 536516, Orphanet 610, MedGen C4225313, MONDO:0034022, OMIM 616471.

Allele frequency attached by ClinVar (database versions not stated): gnomAD exomes below 0.00001.
gnomAD v4.1: 9 of 1,613,940 alleles (0.00056%); highest among the groups gnomAD compares: African/African-American, 0.0067%; no homozygotes.

Submissions (3):

Labcorp Genetics (formerly Invitae), Labcorp
Classification: Uncertain significance for Bethlem myopathy 2; Ullrich congenital muscular dystrophy 2. Last evaluated: 2025-11-28. Review status: criteria provided, single submitter. Criteria: Invitae Variant Classification Sherloc (09022015). Collection method: clinical testing. Allele origin: germline.
Comment: This sequence change replaces proline, which is neutral and non-polar, with alanine, which is neutral and non-polar, at codon 680 of the COL12A1 protein (p.Pro680Ala). This variant is not present in population databases (gnomAD no frequency). This variant has not been reported in the literature in individuals affected with COL12A1-related conditions. ClinVar contains an entry for this variant (Variation ID: 581001). Invitae Evidence Modeling of protein sequence and biophysical properties (such as structural, functional, and spatial information, amino acid conservation, physicochemical variation, residue mobility, and thermodynamic stability) indicates that this missense variant is not expected to disrupt COL12A1 protein function with a negative predictive value of 80%. In summary, the available evidence is currently insufficient to determine the role of this variant in disease. Therefore, it has been classified as a Variant of Uncertain Significance.

GeneDx
Classification: Uncertain significance. Last evaluated: 2025-08-26. Review status: criteria provided, single submitter. Criteria: GeneDx Variant Classification Process June 2021. Collection method: clinical testing. Allele origin: germline. Affected: yes.
Comment: Has not been previously published as pathogenic or benign to our knowledge; In silico analysis supports that this missense variant has a deleterious effect on protein structure/function; Not observed at significant frequency in large population cohorts (gnomAD)

Blueprint Genetics
Classification: Uncertain significance. Last evaluated: 2024-09-13. Review status: criteria provided, single submitter. Criteria: ACMG Guidelines, 2015. Collection method: clinical testing. Allele origin: germline.